The following is an entry in ClinVar:

NM_001211.6(BUB1B):c.1232C>G (p.Ser411Cys)

Gene: BUB1B (BUB1 mitotic checkpoint serine/threonine kinase B; plus strand). Cytogenetic location: 15q15.1.
Variant type: single nucleotide variant.
Coding change: c.1232C>G on transcript NM_001211.6 (MANE Select); coding-DNA position 1232, C replaced by G.
Protein change: p.Ser411Cys; replaces serine 411 with cysteine.
Molecular consequence: missense variant.
Genome position (GRCh38, 1-based): chr15:40,196,718, C>G. VCF-style: chr15-40196718-C-G. GRCh37 (hg19) VCF-style: chr15-40488919-C-G.
Other names: short protein forms S411C.
Identifiers: ClinVar variation 133781 (VCV000133781.1), dbSNP rs587778149, ClinGen allele CA157793.

ClinVar aggregate classification (germline): not provided (0 of 4 stars; one submission).

Submission:

ITMI
No classification provided. Condition: AllHighlyPenetrant. Last evaluated: 2013-09-19. Review status: no classification provided. Collection method: reference population. Allele origin: germline.
Comment: Please see associated publication for description of ethnicities

Literature cited by the submitters: PubMed 24728327.